The following is an entry in ClinVar:

NM_004006.3(DMD):c.8973C>G (p.Asn2991Lys)

Gene: DMD (dystrophin; minus strand). Cytogenetic location: Xp21.2.
Variant type: single nucleotide variant.
Coding change: c.8973C>G on transcript NM_004006.3 (MANE Select); coding-DNA position 8973, C replaced by G.
Protein change: p.Asn2991Lys; replaces asparagine 2991 with lysine.
Molecular consequence: missense variant.
Genome position (GRCh38, 1-based): chrX:31,444,592, G>C on the plus strand (C>G on the coding strand, the complement: DMD is on the minus strand). VCF-style: chrX-31444592-G-C. GRCh37 (hg19) VCF-style: chrX-31462709-G-C.
Other names: c.8949C>G, p.Asn2983Lys (NM_000109.4); c.8961C>G, p.Asn2987Lys (NM_004009.3); c.8604C>G, p.Asn2868Lys (NM_004010.3); c.4950C>G, p.Asn1650Lys (NM_004011.4); c.4941C>G, p.Asn1647Lys (NM_004012.4); c.1593C>G, p.Asn531Lys (NM_004013.3, NM_004020.4, NM_004021.3 and 2 more transcripts); c.786C>G, p.Asn262Lys (NM_004014.3); short protein forms N1650K, N262K, N2987K, N2868K, N531K, N1647K, N2983K, N2991K.
Identifiers: ClinVar variation 2145243 (VCV002145243.8), dbSNP rs772306909, ClinGen allele CA10377943.

ClinVar aggregate classification (germline): Likely benign. Review status: criteria provided, multiple submitters, no conflicts (2 of 4 stars). 2 submissions from 2 submitters: Likely benign (2). Last evaluated 2026-01-01.

Conditions:
Duchenne muscular dystrophy (DMD). Also called: Duchenne Muscular Dystrophy (DMD); MUSCULAR DYSTROPHY, PSEUDOHYPERTROPHIC PROGRESSIVE, DUCHENNE TYPE. Identifiers: Orphanet 98896, MedGen C0013264, MONDO:0010679, OMIM 310200.

gnomAD v4.1: 31 of 1,211,501 alleles (0.0026%); highest among the groups gnomAD compares: South Asian, 0.054%; no homozygotes.

Submissions (2):

CeGaT Center for Human Genetics Tuebingen
Classification: Likely benign. Last evaluated: 2026-01-01. Review status: criteria provided, single submitter. Criteria: CeGaT Center For Human Genetics Tuebingen Variant Classification Criteria Version 2. Collection method: clinical testing. Allele origin: germline. Affected: yes. Observed: 1 variant allele.
Comment: DMD: BS2

Labcorp Genetics (formerly Invitae), Labcorp
Classification: Likely benign for Duchenne muscular dystrophy. Last evaluated: 2024-04-29. Review status: criteria provided, single submitter. Criteria: Invitae Variant Classification Sherloc (09022015). Collection method: clinical testing. Allele origin: germline.